The following is an entry in ClinVar:

ClinVar aggregate classification (germline): Uncertain significance (1 of 4 stars; one submission).

Conditions:
GLI3-related disorder. Also called: GLI3-related condition; GLI3-related disorders. Identifiers: MedGen CN239292.

gnomAD v4.1: 13 of 1,613,698 alleles (0.00081%); highest among the groups gnomAD compares: Middle Eastern, 0.017%; no homozygotes.

Submission:

PreventionGenetics, part of Exact Sciences
Classification: Uncertain significance for GLI3-related condition. Last evaluated: 2025-10-10. Review status: criteria provided, single submitter. Criteria: ACMG Guidelines, 2015. Collection method: clinical testing. Allele origin: germline.
Comment: The GLI3 c.169G>A variant is predicted to result in the amino acid substitution p.Ala57Thr. This variant was reported along with a second GLI3 variant, with both variants described as occurring de novo, in two fetuses with atrioventricular septal defect (Xu et al. 2018. PubMed ID: 31949757). This variant is reported in 0.011% of alleles in individuals of East Asian descent in gnomAD. At this time, the clinical significance of this variant is uncertain due to the absence of conclusive functional and genetic evidence.

NM_000168.6(GLI3):c.169G>A (p.Ala57Thr)

Gene: GLI3 (GLI family zinc finger 3; minus strand). Cytogenetic location: 7p14.1.
Variant type: single nucleotide variant.
Coding change: c.169G>A on transcript NM_000168.6 (MANE Select); coding-DNA position 169, G replaced by A.
Protein change: p.Ala57Thr; replaces alanine 57 with threonine.
Molecular consequence: missense variant.
Genome position (GRCh38, 1-based): chr7:42,148,424, C>T on the plus strand (G>A on the coding strand, the complement: GLI3 is on the minus strand). VCF-style: chr7-42148424-C-T. GRCh37 (hg19) VCF-style: chr7-42188023-C-T.
Other names: short protein forms A57T.
Identifiers: ClinVar variation 4979660 (VCV004979660.1).